The following is an entry in ClinVar:

NM_014251.3(SLC25A13):c.328+6A>G

Gene: SLC25A13 (solute carrier family 25 member 13; minus strand). Cytogenetic location: 7q21.3.
Variant type: single nucleotide variant.
Coding change: c.328+6A>G on transcript NM_014251.3 (MANE Select); 6 bases into the intron after coding-DNA position 328, A replaced by G.
Molecular consequence: intron variant.
Genome position (GRCh38, 1-based): chr7:96,234,796, T>C on the plus strand (A>G on the coding strand, the complement: SLC25A13 is on the minus strand). VCF-style: chr7-96234796-T-C. GRCh37 (hg19) VCF-style: chr7-95864108-T-C.
Other names: p.?; c.328+6A>G (NM_001160210.2).
Identifiers: ClinVar variation 260371 (VCV000260371.27), dbSNP rs6957975, ClinGen allele CA4353341.

ClinVar aggregate classification (germline): Benign. Review status: criteria provided, multiple submitters, no conflicts (2 of 4 stars). 11 submissions from 10 submitters: Benign (9). 2 of the submissions do not count toward it. Last evaluated 2026-02-04.

Conditions:
Citrullinemia. Identifiers: Orphanet 187, MedGen C0175683, MONDO:0015991.
Citrullinemia, type II, adult-onset (CDAA). Also called: CITRIN DEFICIENCY, ADOLESCENT OR ADULT ONSET. Identifiers: Orphanet 247585, MedGen CN295299, MONDO:0011326, OMIM 603471.
Citrin deficiency. Identifiers: Orphanet 247582, MedGen C1997910, MONDO:0016602.
Citrullinemia type II. Also called: Citrullinemia Type II (CTLN2). Identifiers: Orphanet 247585, MedGen C1863844, MONDO:0016603.
Neonatal intrahepatic cholestasis due to citrin deficiency (CDNI). Also called: Neonatal-onset citrullinemia type II; Neonatal-onset citrullinemia type 2; CITRIN DEFICIENCY, NEONATAL OR INFANTILE ONSET; Neonatal Intrahepatic Cholestasis Caused by Citrin Deficiency (NICCD). Identifiers: Orphanet 247598, MedGen C1853942, MONDO:0011601, OMIM 605814.

Allele frequency attached by ClinVar (database versions not stated): gnomAD exomes 0.61607 and 0.63323; 1000 Genomes Project 30x 0.61946; gnomAD 0.66602 and 0.67687; TOPMed 0.67455; 1000 Genomes Project 0.60982; ESP Exome Variant Server 0.68899; ExAC 0.61792.
gnomAD v4.1: 1,023,796 of 1,608,688 alleles (64%); highest among the groups gnomAD compares: African/African-American, 75%; 329,405 homozygotes.

Submissions (11):

Labcorp Genetics (formerly Invitae), Labcorp
Classification: Benign for Citrin deficiency. Last evaluated: 2026-02-04. Review status: criteria provided, single submitter. Criteria: Invitae Variant Classification Sherloc (09022015). Collection method: clinical testing. Allele origin: germline.

Women's Health and Genetics/Laboratory Corporation of America, LabCorp
Classification: Benign. Last evaluated: 2025-09-19. Review status: criteria provided, single submitter. Criteria: LabCorp Variant Classification Summary - May 2015. Collection method: clinical testing. Allele origin: germline.

Mayo Clinic Laboratories, Mayo Clinic
Classification: Benign. Last evaluated: 2022-05-05. Review status: criteria provided, single submitter. Criteria: ACMG Guidelines, 2015. Collection method: clinical testing. Allele origin: germline. Observed: 522 variant alleles.

Genome-Nilou Lab
Classification: Benign for Citrullinemia, type II, adult-onset. Last evaluated: 2021-07-01. Review status: criteria provided, single submitter. Criteria: ACMG Guidelines, 2015. Collection method: clinical testing. Allele origin: germline. Affected: no.

Genome-Nilou Lab
Classification: Benign for Neonatal intrahepatic cholestasis due to citrin deficiency. Last evaluated: 2021-07-01. Review status: criteria provided, single submitter. Criteria: ACMG Guidelines, 2015. Collection method: clinical testing. Allele origin: germline. Affected: no.

Illumina Laboratory Services, Illumina
Classification: Benign for Citrullinemia, type II, adult-onset. Last evaluated: 2018-01-13. Review status: criteria provided, single submitter. Criteria: ICSL Variant Classification Criteria 13 December 2019. Collection method: clinical testing. Allele origin: germline.
Comment: This variant was observed in the ICSL laboratory as part of a predisposition screen in an ostensibly healthy population. It had not been previously curated by ICSL or reported in the Human Gene Mutation Database (HGMD: prior to June 1st, 2018), and was therefore a candidate for classification through an automated scoring system. Utilizing variant allele frequency, disease prevalence and penetrance estimates, and inheritance mode, an automated score was calculated to assess if this variant is too frequent to cause the disease. Based on the score and internal cut-off values, a variant classified as benign is not then subjected to further curation. The score for this variant resulted in a classification of benign for this disease.

GeneDx
Classification: Benign. Last evaluated: 2015-03-03. Review status: criteria provided, single submitter. Criteria: GeneDx Variant Classification Process June 2021. Collection method: clinical testing. Allele origin: germline. Affected: yes.

Breakthrough Genomics
Classification: Benign. Review status: criteria provided, single submitter. Criteria: ACMG Guidelines, 2015. Collection method: not provided. Allele origin: germline. Inheritance: Autosomal recessive inheritance. Affected: yes.

PreventionGenetics, part of Exact Sciences
Classification: Benign. Review status: criteria provided, single submitter. Criteria: ACMG Guidelines, 2015. Collection method: clinical testing. Allele origin: germline.

Natera, Inc.
Classification: Benign for Citrullinemia. Last evaluated: 2019-11-18. Review status: no assertion criteria provided. Collection method: clinical testing. Allele origin: germline. Not counted in ClinVar's aggregate classification.

Department of Pathology and Laboratory Medicine, Sinai Health System
Classification: Uncertain significance. Review status: no assertion criteria provided. Collection method: clinical testing. Allele origin: unknown. Affected: yes. Study: The Canadian Open Genetics Repository (COGR). Not counted in ClinVar's aggregate classification.
Comment: Allele frequency is common in at least one population database (frequency: 74.812% in gnomAD_Exomes) based on the frequency threshold of 1.504% for this gene. Variant was observed in a homozygous state in population databases more than expected for disease. 3 reputable source/s reports the variant as benign, but the evidence is not available to the laboratory to perform an independent evaluation.